The following is an entry in ClinVar:

ClinVar aggregate classification (germline): Uncertain significance. Review status: criteria provided, multiple submitters, no conflicts (2 of 4 stars). 4 submissions from 4 submitters: Uncertain significance (4). Last evaluated 2025-08-28.

Conditions:
Hereditary breast ovarian cancer syndrome. Also called: Hereditary breast and ovarian cancer; Hereditary breast and/or ovarian cancer syndrome; BRCA1- and BRCA2-Associated Hereditary Breast and Ovarian Cancer; Hereditary breast and ovarian cancer syndrome; Hereditary breast and ovarian cancer syndrome (HBOC); Breast and ovarian cancer. Identifiers: Orphanet 145, MedGen C0677776, MeSH D061325, MONDO:0003582. Disease mechanism: loss of function.
Hereditary cancer-predisposing syndrome. Also called: Tumor predisposition; Hereditary Cancer Syndrome; Hereditary neoplastic syndrome; Neoplastic Syndromes, Hereditary. Identifiers: Orphanet 140162, MedGen C0027672, MeSH D009386, MONDO:0015356.
BRCA2-related cancer predisposition. Identifiers: MedGen CN377758, MONDO:0700269.

Submissions (4):

Color Diagnostics, LLC DBA Color Health
Classification: Uncertain significance for Hereditary cancer-predisposing syndrome. Last evaluated: 2025-08-28. Review status: criteria provided, single submitter. Criteria: ACMG Guidelines, 2015. Collection method: clinical testing. Allele origin: germline.
Comment: This missense variant replaces proline with leucine at codon 3311 of the BRCA2 protein. Computational prediction suggests that this variant may not impact protein structure and function. To our knowledge, functional studies have not been reported for this variant. This variant has been reported in an individual affected with breast cancer (PMID: 25186627). This variant has not been identified in the general population by the Genome Aggregation Database (gnomAD). The available evidence is insufficient to determine the role of this variant in disease conclusively. Therefore, this variant is classified as a Variant of Uncertain Significance.

Labcorp Genetics (formerly Invitae), Labcorp
Classification: Uncertain significance for Hereditary breast ovarian cancer syndrome. Last evaluated: 2025-03-19. Review status: criteria provided, single submitter. Criteria: Invitae Variant Classification Sherloc (09022015). Collection method: clinical testing. Allele origin: germline.
Comment: This sequence change replaces proline, which is neutral and non-polar, with leucine, which is neutral and non-polar, at codon 3311 of the BRCA2 protein (p.Pro3311Leu). This variant is not present in population databases (gnomAD no frequency). This variant has not been reported in the literature in individuals affected with BRCA2-related conditions. ClinVar contains an entry for this variant (Variation ID: 409472). Invitae Evidence Modeling of protein sequence and biophysical properties (such as structural, functional, and spatial information, amino acid conservation, physicochemical variation, residue mobility, and thermodynamic stability) indicates that this missense variant is not expected to disrupt BRCA2 protein function with a negative predictive value of 95%. In summary, the available evidence is currently insufficient to determine the role of this variant in disease. Therefore, it has been classified as a Variant of Uncertain Significance.

Ambry Genetics
Classification: Uncertain significance for Hereditary cancer-predisposing syndrome. Last evaluated: 2025-01-13. Review status: criteria provided, single submitter. Criteria: Ambry Variant Classification Scheme 2023. Collection method: clinical testing. Allele origin: germline.
Comment: The p.P3311L variant (also known as c.9932C>T), located in coding exon 26 of the BRCA2 gene, results from a C to T substitution at nucleotide position 9932. The proline at codon 3311 is replaced by leucine, an amino acid with similar properties. This amino acid position is not well conserved in available vertebrate species. In addition, this alteration is predicted to be tolerated by in silico analysis. Since supporting evidence is limited at this time, the clinical significance of this alteration remains unclear.

All of Us Research Program, National Institutes of Health
Classification: Uncertain significance for BRCA2-related cancer predisposition. Last evaluated: 2024-06-11. Review status: criteria provided, single submitter. Criteria: ACMG Guidelines, 2015. Collection method: clinical testing. Allele origin: germline. Inheritance: Autosomal dominant inheritance. Observed: 1 variant allele, 1 heterozygote.
Comment: This study involves interpretation of variants in research participants for the purpose of population health screening. Participant phenotype was not available at the time of variant classification. Additional details can be found in publication PMID: 35346344, PMCID: PMC8962531

Literature cited by the submitters: PubMed 25186627 (cited by Color Diagnostics, LLC DBA Color Health and Ambry Genetics).

NM_000059.4(BRCA2):c.9932C>T (p.Pro3311Leu)

Gene: BRCA2 (BRCA2 DNA repair associated; plus strand). Cytogenetic location: 13q13.1.
Variant type: single nucleotide variant.
Coding change: c.9932C>T on transcript NM_000059.4 (MANE Select); coding-DNA position 9932, C replaced by T.
Protein change: p.Pro3311Leu; replaces proline 3311 with leucine.
Molecular consequence: missense variant.
Genome position (GRCh38, 1-based): chr13:32,398,445, C>T. VCF-style: chr13-32398445-C-T. GRCh37 (hg19) VCF-style: chr13-32972582-C-T.
Other names: short protein forms P3311L.
Identifiers: ClinVar variation 409472 (VCV000409472.24), dbSNP rs1060502416, ClinGen allele CA16614260.